The following is an entry in ClinVar:

NM_006995.5(BTN2A2):c.607G>A (p.Gly203Ser)

Gene: BTN2A2 (butyrophilin subfamily 2 member A2; plus strand). Cytogenetic location: 6p22.2.
Variant type: single nucleotide variant.
Coding change: c.607G>A on transcript NM_006995.5 (MANE Select); coding-DNA position 607, G replaced by A.
Protein change: p.Gly203Ser; replaces glycine 203 with serine.
Molecular consequence: missense variant. On other transcripts: intron variant (2).
Genome position (GRCh38, 1-based): chr6:26,388,177, G>A. VCF-style: chr6-26388177-G-A. GRCh37 (hg19) VCF-style: chr6-26388405-G-A.
Other names: c.607G>A, p.Gly203Ser (NM_001197237.2, NM_001197238.2); c.259G>A, p.Gly87Ser (NM_181531.3); c.443-1828G>A (NM_001197240.2); c.95-1828G>A (NM_001197239.2); short protein forms G203S, G87S.
Identifiers: ClinVar variation 3057059 (VCV003057059.2), dbSNP rs62617839, ClinGen allele CA3672444.

ClinVar aggregate classification (germline): Benign (0 of 4 stars; one submission).

Conditions:
BTN2A2-related disorder. Also called: BTN2A2-related condition.

Allele frequency attached by ClinVar (database versions not stated): 1000 Genomes Project 0.04493; 1000 Genomes Project 30x 0.04622; ExAC 0.04839; gnomAD 0.05222; TOPMed 0.05578; ESP Exome Variant Server 0.05805.
gnomAD v4.1: 80,732 of 1,614,116 alleles (5%); highest among the groups gnomAD compares: Middle Eastern, 8.1%; 2,256 homozygotes.

Submission:

PreventionGenetics, part of Exact Sciences
Classification: Benign for BTN2A2-related condition. Last evaluated: 2019-11-06. Review status: no assertion criteria provided. Collection method: clinical testing. Allele origin: germline.
Comment: This variant is classified as benign based on ACMG/AMP sequence variant interpretation guidelines (Richards et al. 2015 PMID: 25741868, with internal and published modifications).